The following is an entry in ClinVar:

ClinVar aggregate classification (germline): Uncertain significance (1 of 4 stars; one submission).

Conditions:
Hereditary hemochromatosis (HFE). Identifiers: MedGen C0392514, MONDO:0006507. Disease mechanism: loss of function.

Allele frequency attached by ClinVar (database versions not stated): gnomAD exomes below 0.00001.
gnomAD v4.1: 1 of 1,564,076 alleles (0.000064%); highest among the groups gnomAD compares: Admixed American, 0.0021%; no homozygotes.

Submission:

Labcorp Genetics (formerly Invitae), Labcorp
Classification: Uncertain significance for Hereditary hemochromatosis. Last evaluated: 2021-08-31. Review status: criteria provided, single submitter. Criteria: Invitae Variant Classification Sherloc (09022015). Collection method: clinical testing. Allele origin: germline.
Comment: This sequence change falls in intron 8 of the TFR2 gene. It does not directly change the encoded amino acid sequence of the TFR2 protein. It affects a nucleotide within the consensus splice site of the intron. This variant is not present in population databases (ExAC no frequency). This variant has not been reported in the literature in individuals affected with TFR2-related conditions. Variants that disrupt the consensus splice site are a relatively common cause of aberrant splicing (PMID: 17576681, 9536098). Algorithms developed to predict the effect of sequence changes on RNA splicing suggest that this variant is not likely to affect RNA splicing. In summary, the available evidence is currently insufficient to determine the role of this variant in disease. Therefore, it has been classified as a Variant of Uncertain Significance.

Literature cited by the submitters: PubMed 17576681; PubMed 9536098.

NM_003227.4(TFR2):c.1107-3C>T

Gene: TFR2 (transferrin receptor 2; minus strand). Cytogenetic location: 7q22.1.
Variant type: single nucleotide variant.
Coding change: c.1107-3C>T on transcript NM_003227.4 (MANE Select); 3 bases into the intron before coding-DNA position 1107, C replaced by T.
Molecular consequence: intron variant.
Genome position (GRCh38, 1-based): chr7:100,631,055, G>A on the plus strand (C>T on the coding strand, the complement: TFR2 is on the minus strand). VCF-style: chr7-100631055-G-A. GRCh37 (hg19) VCF-style: chr7-100228678-G-A.
Other names: c.594-3C>T (NM_001206855.3).
Identifiers: ClinVar variation 1015316 (VCV001015316.6), dbSNP rs1421153041, ClinGen allele CA576714296.
Genomic context (GRCh38, chr7:100,631,055, plus strand): 5'-AGGGGAGCCTAGGAGGCTCCCCTGCCATTCTTGGGGGGCCACAGGGCCTTTGAGCTTCCT[G>A]GAGAGGAGGAAGGCAGAAAGGGGGAAGTTGTAGAGAGACCCAGAAGAGTCCAAATCACTC-3'